The following is an entry in ClinVar:

ClinVar aggregate classification (germline): Pathogenic (1 of 4 stars; one submission).

gnomAD v4.1: 1 of 1,211,183 alleles (0.000083%); no homozygotes.

Submission:

Labcorp Genetics (formerly Invitae), Labcorp
Classification: Pathogenic. Last evaluated: 2025-04-22. Review status: criteria provided, single submitter. Criteria: Invitae Variant Classification Sherloc (09022015). Collection method: clinical testing. Allele origin: germline.
Comment: This sequence change replaces glycine, which is neutral and non-polar, with aspartic acid, which is acidic and polar, at codon 1069 of the COL4A5 protein (p.Gly1069Asp). This variant is not present in population databases (gnomAD no frequency). This missense change has been observed in individuals with Alport syndrome (PMID: 24304881, 26809805). Invitae Evidence Modeling of protein sequence and biophysical properties (such as structural, functional, and spatial information, amino acid conservation, physicochemical variation, residue mobility, and thermodynamic stability) indicates that this missense variant is expected to disrupt COL4A5 protein function with a positive predictive value of 95%. This variant disrupts the p.Gly1069 amino acid residue in COL4A5. Other variant(s) that disrupt this residue have been determined to be pathogenic (PMID: 20378821, 37100867, 37225412; internal data). This suggests that this residue is clinically significant, and that variants that disrupt this residue are likely to be disease-causing. For these reasons, this variant has been classified as Pathogenic.

Literature cited by the submitters: PubMed 24304881; PubMed 26809805; PubMed 20378821; PubMed 37100867; PubMed 37225412.

NM_033380.3(COL4A5):c.3206G>A (p.Gly1069Asp)

Gene: COL4A5 (collagen type IV alpha 5 chain; plus strand). Cytogenetic location: Xq22.3.
Variant type: single nucleotide variant.
Coding change: c.3206G>A on transcript NM_033380.3 (MANE Select); coding-DNA position 3206, G replaced by A.
Protein change: p.Gly1069Asp; replaces glycine 1069 with aspartic acid.
Molecular consequence: missense variant.
Genome position (GRCh38, 1-based): chrX:108,626,309, G>A. VCF-style: chrX-108626309-G-A. GRCh37 (hg19) VCF-style: chrX-107869539-G-A.
Other names: c.3206G>A, p.Gly1069Asp (NM_000495.5); short protein forms G1069D.
Identifiers: ClinVar variation 4710870 (VCV004710870.1), dbSNP rs281874712.